The following is an entry in ClinVar:

NM_000275.3(OCA2):c.1234G>A (p.Val412Ile)

Gene: OCA2 (OCA2 melanosomal transmembrane protein; minus strand). Cytogenetic location: 15q13.1.
Variant type: single nucleotide variant.
Coding change: c.1234G>A on transcript NM_000275.3 (MANE Select); coding-DNA position 1234, G replaced by A.
Protein change: p.Val412Ile; replaces valine 412 with isoleucine.
Molecular consequence: missense variant.
Genome position (GRCh38, 1-based): chr15:27,986,592, C>T on the plus strand (G>A on the coding strand, the complement: OCA2 is on the minus strand). VCF-style: chr15-27986592-C-T. GRCh37 (hg19) VCF-style: chr15-28231738-C-T.
Other names: c.1162G>A, p.Val388Ile (NM_001300984.2); c.1234G>A (NM_000275.2); short protein forms V388I, V412I.
Identifiers: ClinVar variation 1008522 (VCV001008522.7), dbSNP rs373759416, ClinGen allele CA7439137.
Genomic context (GRCh38, chr15:27,986,592, plus strand): 5'-AAATACATATATAAATTAATCAGGATAGAATTATTAAATGCAACATCATACCTACCTTTA[C>T]AGCACAATAATCGAAAAATCCCGTTTCTGAAAATATGGCTACTAAGATCATCTATGGGGA-3'
Protein context (NP_000266.2, residues 402-422): SETGFFDYCA[Val412Ile]KAYRLSRGRV

ClinVar aggregate classification (germline): Uncertain significance. Review status: criteria provided, multiple submitters, no conflicts (2 of 4 stars). 2 submissions from 2 submitters: Uncertain significance (2). Last evaluated 2025-09-22.

Conditions:
Inborn genetic diseases. Identifiers: MedGen C0950123, MeSH D030342.

Allele frequency attached by ClinVar (database versions not stated): gnomAD 0.00004 and 0.00003; ExAC 0.00001; gnomAD exomes 0.00001; ESP Exome Variant Server 0.00008; TOPMed 0.00003.
gnomAD v4.1: 7 of 1,578,808 alleles (0.00044%); highest among the groups gnomAD compares: African/African-American, 0.0094%; no homozygotes.

Submissions (2):

Ambry Genetics
Classification: Uncertain significance for Inborn genetic diseases. Last evaluated: 2025-09-22. Review status: criteria provided, single submitter. Criteria: Ambry Variant Classification Scheme 2023. Collection method: clinical testing. Allele origin: germline.

Labcorp Genetics (formerly Invitae), Labcorp
Classification: Uncertain significance. Last evaluated: 2022-08-16. Review status: criteria provided, single submitter. Criteria: Invitae Variant Classification Sherloc (09022015). Collection method: clinical testing. Allele origin: germline.
Comment: This sequence change replaces valine, which is neutral and non-polar, with isoleucine, which is neutral and non-polar, at codon 412 of the OCA2 protein (p.Val412Ile). This variant is present in population databases (rs373759416, gnomAD 0.01%). This variant has not been reported in the literature in individuals affected with OCA2-related conditions. ClinVar contains an entry for this variant (Variation ID: 1008522). Algorithms developed to predict the effect of missense changes on protein structure and function are either unavailable or do not agree on the potential impact of this missense change (SIFT: "Deleterious"; PolyPhen-2: "Probably Damaging"; Align-GVGD: "Class C0"). In summary, the available evidence is currently insufficient to determine the role of this variant in disease. Therefore, it has been classified as a Variant of Uncertain Significance.